The following is an entry in ClinVar:

ClinVar aggregate classification (germline): Uncertain significance (1 of 4 stars; one submission).

Conditions:
Noonan syndrome 9 (NS9). Identifiers: Orphanet 648, MedGen C4225282, MONDO:0014691, OMIM 616559.

Allele frequency attached by ClinVar (database versions not stated): gnomAD exomes below 0.00001.

Submission:

Labcorp Genetics (formerly Invitae), Labcorp
Classification: Uncertain significance for Noonan syndrome 9. Last evaluated: 2025-12-11. Review status: criteria provided, single submitter. Criteria: Invitae Variant Classification Sherloc (09022015). Collection method: clinical testing. Allele origin: germline.
Comment: This sequence change replaces isoleucine, which is neutral and non-polar, with methionine, which is neutral and non-polar, at codon 1252 of the SOS2 protein (p.Ile1252Met). This variant is not present in population databases (gnomAD no frequency). This variant has not been reported in the literature in individuals affected with SOS2-related conditions. ClinVar contains an entry for this variant (Variation ID: 2147320). Invitae Evidence Modeling of protein sequence and biophysical properties (such as structural, functional, and spatial information, amino acid conservation, physicochemical variation, residue mobility, and thermodynamic stability) indicates that this missense variant is not expected to disrupt SOS2 protein function with a negative predictive value of 95%. In summary, the available evidence is currently insufficient to determine the role of this variant in disease. Therefore, it has been classified as a Variant of Uncertain Significance.

NM_006939.4(SOS2):c.3756T>G (p.Ile1252Met)

Gene: SOS2 (SOS Ras/Rho guanine nucleotide exchange factor 2; minus strand). Cytogenetic location: 14q21.3.
Variant type: single nucleotide variant.
Coding change: c.3756T>G on transcript NM_006939.4 (MANE Select); coding-DNA position 3756, T replaced by G.
Protein change: p.Ile1252Met; replaces isoleucine 1252 with methionine.
Molecular consequence: missense variant.
Genome position (GRCh38, 1-based): chr14:50,118,587, A>C on the plus strand (T>G on the coding strand, the complement: SOS2 is on the minus strand). VCF-style: chr14-50118587-A-C. GRCh37 (hg19) VCF-style: chr14-50585305-A-C.
Other names: c.3657T>G, p.Ile1219Met (NM_001411020.1); short protein forms I1252M, I1219M.
Identifiers: ClinVar variation 2147320 (VCV002147320.4), dbSNP rs2502756645, ClinGen allele CA389637966.